The following is an entry in ClinVar:

ClinVar aggregate classification (germline): Uncertain significance (1 of 4 stars; one submission).

Conditions:
POLD1-related polyposis and colorectal cancer syndrome (CRCS10). Also called: Colorectal cancer 10; COLORECTAL CANCER, SUSCEPTIBILITY TO, ON CHROMOSOME 19q; Colorectal cancer, susceptibility to, 10. Identifiers: Orphanet 220460, MedGen C2675481, MONDO:0012953, OMIM 612591.

Submission:

Labcorp Genetics (formerly Invitae), Labcorp
Classification: Uncertain significance for POLD1-related polyposis and colorectal cancer syndrome. Last evaluated: 2021-11-24. Review status: criteria provided, single submitter. Criteria: Invitae Variant Classification Sherloc (09022015). Collection method: clinical testing. Allele origin: germline.
Comment: In summary, the available evidence is currently insufficient to determine the role of this variant in disease. Therefore, it has been classified as a Variant of Uncertain Significance. This variant has not been reported in the literature in individuals affected with POLD1-related conditions. This variant is not present in population databases (gnomAD no frequency). This sequence change creates a premature translational stop signal (p.Asp819Thrfs*69) in the POLD1 gene. Missense variants that disrupt the 3'-5' exonuclease (proof-reading) activity of the POLD1 protein are associated with an increased risk for colonic adenomatous polyps and colon cancer (PMID: 23263490, 23447401). However, loss-of-function variants that result in an absent or severely disrupted POLD1 protein, and missense variants outside the exonuclease domain, are unlikely to be associated with polyposis or colon cancer.

Literature cited by the submitters: PubMed 23263490; PubMed 23447401.

NM_002691.4(POLD1):c.2454del (p.Asp819fs)

Gene: POLD1 (DNA polymerase delta 1, catalytic subunit; plus strand). Cytogenetic location: 19q13.33.
Variant type: Deletion.
Coding change: c.2454del on transcript NM_002691.4 (MANE Select); coding-DNA position 2454, one base deleted (C; older notation c.2454delC).
Protein change: p.Asp819fs; shifts the reading frame from aspartic acid 819.
Molecular consequence: frameshift variant. On other transcripts: non-coding transcript variant (1).
Genome position (GRCh38, 1-based): chr19:50,414,880, C deleted; the last of 3 consecutive C bases (chr19:50,414,878-50,414,880); deleting any one gives the same sequence. VCF-style (leftmost placement, unchanged base first): chr19-50414877-GC-G. GRCh37 (hg19) VCF-style: chr19-50918134-GC-G.
Other names: c.2454del, p.Asp819fs (NM_001256849.1); c.2532del, p.Asp845fs (NM_001308632.1); short protein forms D845fs, D819fs.
Identifiers: ClinVar variation 1505468 (VCV001505468.6), dbSNP rs2122465412, ClinGen allele CA2573156725.